The following is an entry in ClinVar:

NM_001199138.2(NLRC4):c.1807C>T (p.Pro603Ser)

Gene: NLRC4 (NLR family CARD domain containing 4; minus strand). Cytogenetic location: 2p22.3.
Variant type: single nucleotide variant.
Coding change: c.1807C>T on transcript NM_001199138.2 (MANE Select); coding-DNA position 1807, C replaced by T.
Protein change: p.Pro603Ser; replaces proline 603 with serine.
Molecular consequence: missense variant. On other transcripts: intron variant (1).
Genome position (GRCh38, 1-based): chr2:32,250,057, G>A on the plus strand (C>T on the coding strand, the complement: NLRC4 is on the minus strand). VCF-style: chr2-32250057-G-A. GRCh37 (hg19) VCF-style: chr2-32475126-G-A.
Other names: c.1807C>T, p.Pro603Ser (NM_001199139.2, NM_021209.5); c.262+2362C>T (NM_001302504.1); short protein forms P603S.
Identifiers: ClinVar variation 2580641 (VCV002580641.2), dbSNP rs2466757952, ClinGen allele CA346511652.

ClinVar aggregate classification (germline): Uncertain significance. Review status: criteria provided, multiple submitters, no conflicts (2 of 4 stars). 2 submissions from 2 submitters: Uncertain significance (2). Last evaluated 2025-10-06.

Conditions:
Inborn genetic diseases. Identifiers: MedGen C0950123, MeSH D030342.

Submissions (2):

Ambry Genetics
Classification: Uncertain significance for Inborn genetic diseases. Last evaluated: 2025-10-06. Review status: criteria provided, single submitter. Criteria: Ambry Variant Classification Scheme 2023. Collection method: clinical testing. Allele origin: germline.

GeneDx
Classification: Uncertain significance. Last evaluated: 2023-03-22. Review status: criteria provided, single submitter. Criteria: GeneDx Variant Classification Process June 2021. Collection method: clinical testing. Allele origin: germline. Affected: yes.
Comment: Has not been previously published as pathogenic or benign to our knowledge; Not observed at significant frequency in large population cohorts (gnomAD); In silico analysis supports that this missense variant does not alter protein structure/function